The following is an entry in ClinVar:

NM_198578.4(LRRK2):c.6593G>T (p.Arg2198Ile)

Gene: LRRK2 (leucine rich repeat kinase 2; plus strand). Cytogenetic location: 12q12.
Variant type: single nucleotide variant.
Coding change: c.6593G>T on transcript NM_198578.4 (MANE Select); coding-DNA position 6593, G replaced by T.
Protein change: p.Arg2198Ile; replaces arginine 2198 with isoleucine.
Molecular consequence: missense variant.
Genome position (GRCh38, 1-based): chr12:40,354,315, G>T. VCF-style: chr12-40354315-G-T. GRCh37 (hg19) VCF-style: chr12-40748117-G-T.
Other names: short protein forms R2198I.
Identifiers: ClinVar variation 1754372 (VCV001754372.2), dbSNP rs2499993215, ClinGen allele CA384408786.

ClinVar aggregate classification (germline): Uncertain significance (1 of 4 stars; one submission).

Conditions:
Inborn genetic diseases. Identifiers: MedGen C0950123, MeSH D030342.

Submission:

Ambry Genetics
Classification: Uncertain significance for Inborn genetic diseases. Last evaluated: 2021-12-11. Review status: criteria provided, single submitter. Criteria: Ambry Variant Classification Scheme 2023. Collection method: clinical testing. Allele origin: germline.
Comment: The p.R2198I variant (also known as c.6593G>T), located in coding exon 45 of the LRRK2 gene, results from a G to T substitution at nucleotide position 6593. The arginine at codon 2198 is replaced by isoleucine, an amino acid with similar properties. This amino acid position is conserved. In addition, this alteration is predicted to be tolerated by in silico analysis. Since supporting evidence is limited at this time, the clinical significance of this alteration remains unclear.